The following is an entry in ClinVar:

ClinVar aggregate classification (germline): Uncertain significance. Review status: criteria provided, single submitter (1 of 4 stars). 2 submissions from 2 submitters: Uncertain significance (1). 1 of the submissions does not count toward it. Last evaluated 2025-01-02.

Conditions:
GCLC-related disorder. Also called: GCLC-related condition.

Submissions (2):

Mayo Clinic Laboratories, Mayo Clinic
Classification: Uncertain significance. Last evaluated: 2025-01-02. Review status: criteria provided, single submitter. Criteria: ACMG Guidelines, 2015. Collection method: clinical testing. Allele origin: germline. Observed: 1 variant allele.
Comment: PM2_supporting

PreventionGenetics, part of Exact Sciences
Classification: Likely benign for GCLC-related condition. Last evaluated: 2020-12-11. Review status: no assertion criteria provided. Collection method: clinical testing. Allele origin: germline. Not counted in ClinVar's aggregate classification.
Comment: This variant is classified as likely benign based on ACMG/AMP sequence variant interpretation guidelines (Richards et al. 2015 PMID: 25741868, with internal and published modifications).

NM_001498.4(GCLC):c.-29AGG[6]

Genes: GCLC (glutamate-cysteine ligase catalytic subunit; minus strand), LOC129996649 (ATAC-STARR-seq lymphoblastoid silent region 17291; plus strand). Cytogenetic location: 6p12.1.
Variant type: Microsatellite.
Coding change: c.-29AGG[6] on transcript NM_001498.4 (MANE Select); six copies in a row of the 3-base unit AGG starting at c.-29; the reference has seven copies in a row; one copy, 3 bases deleted.
Molecular consequence: 5 prime UTR variant.
Genome position (GRCh38, 1-based): chr6:53,544,654-53,544,656, CCT deleted on the plus strand (AGG on the coding strand, the reverse complement: GCLC is on the minus strand); deleting any 3 consecutive bases within chr6:53,544,654-53,544,676 gives the same sequence; the position shown is the placement nearest the transcript's 3' end. VCF-style (leftmost placement, unchanged base first): chr6-53544653-CCCT-C. GRCh37 (hg19) VCF-style: chr6-53409451-CCCT-C.
Other names: p.?; c.-11_-9del (NM_001498.4); c.-29AGG[6] (NM_001197115.2).
Identifiers: ClinVar variation 3041181 (VCV003041181.3), dbSNP rs3830798, ClinGen allele CA3860468.
Genomic context (GRCh38, chr6:53,544,653, plus strand): 5'-TGGCGCTTGGTTTCCTCCCAGCTCAGCGGCGAGCCCTGGGACAGCAGCCCCATGGCCGCC[CCCT>C]CCTCCTCCTCCTCCTCCTCCGGGCTGACGGCGGTCGCCCGCTCCGGGCGCGAGACGGACA-3'